The following is an entry in ClinVar:

ClinVar aggregate classification (germline): Uncertain significance. Review status: criteria provided, multiple submitters, no conflicts (2 of 4 stars). 2 submissions from 2 submitters: Uncertain significance (2). Last evaluated 2026-01-20.

Conditions:
Inborn genetic diseases. Identifiers: MedGen C0950123, MeSH D030342.

Submissions (2):

Ambry Genetics
Classification: Uncertain significance for Inborn genetic diseases. Last evaluated: 2026-01-20. Review status: criteria provided, single submitter. Criteria: Ambry Variant Classification Scheme 2023. Collection method: clinical testing. Allele origin: germline.
Comment: The p.A4E variant (also known as c.11C>A), located in coding exon 1 of the USB1 gene, results from a C to A substitution at nucleotide position 11. The alanine at codon 4 is replaced by glutamic acid, an amino acid with dissimilar properties. This amino acid position is conserved. In addition, this alteration is predicted to be tolerated by in silico analysis. Based on the available evidence, the clinical significance of this variant remains unclear.

Labcorp Genetics (formerly Invitae), Labcorp
Classification: Uncertain significance. Last evaluated: 2021-05-17. Review status: criteria provided, single submitter. Criteria: Invitae Variant Classification Sherloc (09022015). Collection method: clinical testing. Allele origin: germline.
Comment: In summary, the available evidence is currently insufficient to determine the role of this variant in disease. Therefore, it has been classified as a Variant of Uncertain Significance. Algorithms developed to predict the effect of missense changes on protein structure and function are either unavailable or do not agree on the potential impact of this missense change (SIFT: "Not Available"; PolyPhen-2: "Possibly Damaging"; Align-GVGD: "Not Available"). This variant has not been reported in the literature in individuals with USB1-related conditions. This variant is not present in population databases (ExAC no frequency). This sequence change replaces alanine with glutamic acid at codon 4 of the USB1 protein (p.Ala4Glu). The alanine residue is moderately conserved and there is a moderate physicochemical difference between alanine and glutamic acid.

NM_024598.4(USB1):c.11C>A (p.Ala4Glu)

Genes: USB1 (U6 snRNA biogenesis phosphodiesterase 1; plus strand), LOC112469011 (Sharpr-MPRA regulatory region 3942; plus strand). Cytogenetic location: 16q21.
Variant type: single nucleotide variant.
Coding change: c.11C>A on transcript NM_024598.4 (MANE Select); coding-DNA position 11, C replaced by A.
Protein change: p.Ala4Glu; replaces alanine 4 with glutamic acid.
Molecular consequence: missense variant. On other transcripts: intron variant (1).
Genome position (GRCh38, 1-based): chr16:58,001,494, C>A. VCF-style: chr16-58001494-C-A. GRCh37 (hg19) VCF-style: chr16-58035398-C-A.
Other names: c.11C>A, p.Ala4Glu (NM_001195302.2, NM_001204911.2, NM_001330569.2); c.-55-985C>A (NM_001330568.2); c.11C>A (NM_024598.3); short protein forms A4E.
Identifiers: ClinVar variation 1417003 (VCV001417003.7), dbSNP rs1339761959, ClinGen allele CA396085096.